The following is an entry in ClinVar:

NM_015378.4(VPS13D):c.458A>C (p.Gln153Pro)

Gene: VPS13D (vacuolar protein sorting 13 homolog D; plus strand). Cytogenetic location: 1p36.22.
Variant type: single nucleotide variant.
Coding change: c.458A>C on transcript NM_015378.4 (MANE Select); coding-DNA position 458, A replaced by C.
Protein change: p.Gln153Pro; replaces glutamine 153 with proline.
Molecular consequence: missense variant.
Genome position (GRCh38, 1-based): chr1:12,249,233, A>C. VCF-style: chr1-12249233-A-C. GRCh37 (hg19) VCF-style: chr1-12309290-A-C.
Other names: c.458A>C, p.Gln153Pro (NM_018156.4); short protein forms Q153P.
Identifiers: ClinVar variation 3671691 (VCV003671691.2).

ClinVar aggregate classification (germline): Uncertain significance (1 of 4 stars; one submission).

gnomAD v4.1: 3 of 1,611,988 alleles (0.00019%); highest among the groups gnomAD compares: South Asian, 0.0033%; no homozygotes.

Submission:

Labcorp Genetics (formerly Invitae), Labcorp
Classification: Uncertain significance. Last evaluated: 2025-01-27. Review status: criteria provided, single submitter. Criteria: Invitae Variant Classification Sherloc (09022015). Collection method: clinical testing. Allele origin: germline.
Comment: This sequence change replaces glutamine, which is neutral and polar, with proline, which is neutral and non-polar, at codon 153 of the VPS13D protein (p.Gln153Pro). This variant is not present in population databases (gnomAD no frequency). This variant has not been reported in the literature in individuals affected with VPS13D-related conditions. Invitae Evidence Modeling of protein sequence and biophysical properties (such as structural, functional, and spatial information, amino acid conservation, physicochemical variation, residue mobility, and thermodynamic stability) indicates that this missense variant is expected to disrupt VPS13D protein function with a positive predictive value of 80%. In summary, the available evidence is currently insufficient to determine the role of this variant in disease. Therefore, it has been classified as a Variant of Uncertain Significance.